The following is an entry in ClinVar:

ClinVar aggregate classification (germline): Likely benign (1 of 4 stars; one submission).

Conditions:
SRGAP1-related disorder. Also called: SRGAP1-related condition.

gnomAD v4.1: 88 of 1,611,660 alleles (0.0055%); highest among the groups gnomAD compares: Non-Finnish European, 0.0074%; no homozygotes.

Submission:

PreventionGenetics, part of Exact Sciences
Classification: Likely benign for SRGAP1-related condition. Last evaluated: 2024-12-12. Review status: criteria provided, single submitter. Criteria: ACMG Guidelines, 2015. Collection method: clinical testing. Allele origin: germline.
Comment: This variant is classified as likely benign based on ACMG/AMP sequence variant interpretation guidelines (Richards et al. 2015 PMID: 25741868, with internal and published modifications).

NM_020762.4(SRGAP1):c.1126-5C>A

Gene: SRGAP1 (SLIT-ROBO Rho GTPase activating protein 1; plus strand). Cytogenetic location: 12q14.2.
Variant type: single nucleotide variant.
Coding change: c.1126-5C>A on transcript NM_020762.4 (MANE Select); 5 bases into the intron before coding-DNA position 1126, C replaced by A.
Molecular consequence: intron variant.
Genome position (GRCh38, 1-based): chr12:64,078,914, C>A. VCF-style: chr12-64078914-C-A. GRCh37 (hg19) VCF-style: chr12-64472694-C-A.
Other names: c.1126-5C>A (NM_001346201.2).
Identifiers: ClinVar variation 5002094 (VCV005002094.1).